The following is an entry in ClinVar:

ClinVar aggregate classification (germline): Benign. Review status: criteria provided, single submitter (1 of 4 stars). 3 submissions from 3 submitters: Benign (1). 2 of the submissions do not count toward it. Last evaluated 2026-01-27.

Conditions:
OGDH-related disorder. Also called: OGDH-related condition.
Oxoglutaricaciduria. Identifiers: Orphanet 31, MedGen C2752074, MONDO:0008759, OMIM 203740.

Allele frequency attached by ClinVar (database versions not stated): gnomAD 0.03155 and 0.03200; TOPMed 0.03273; 1000 Genomes Project 30x 0.01733; ExAC 0.03438; gnomAD exomes 0.03507; 1000 Genomes Project 0.01797; ESP Exome Variant Server 0.03560.
gnomAD v4.1: 63,840 of 1,614,050 alleles (4%); highest among the groups gnomAD compares: Middle Eastern, 5.5%; 1,523 homozygotes.

Submissions (3):

Labcorp Genetics (formerly Invitae), Labcorp
Classification: Benign for Oxoglutaricaciduria. Last evaluated: 2026-01-27. Review status: criteria provided, single submitter. Criteria: Invitae Variant Classification Sherloc (09022015). Collection method: clinical testing. Allele origin: germline.

PreventionGenetics, part of Exact Sciences
Classification: Benign for OGDH-related condition. Last evaluated: 2019-08-09. Review status: no assertion criteria provided. Collection method: clinical testing. Allele origin: germline. Not counted in ClinVar's aggregate classification.
Comment: This variant is classified as benign based on ACMG/AMP sequence variant interpretation guidelines (Richards et al. 2015 PMID: 25741868, with internal and published modifications).

Mayo Clinic Laboratories, Mayo Clinic
Classification: Benign. Last evaluated: 2016-02-22. Review status: no assertion criteria provided. Collection method: clinical testing. Allele origin: unknown. Not counted in ClinVar's aggregate classification.

NM_002541.4(OGDH):c.396G>A (p.Ser132=)

Gene: OGDH (oxoglutarate dehydrogenase; plus strand). Cytogenetic location: 7p13.
Variant type: single nucleotide variant.
Coding change: c.396G>A on transcript NM_002541.4 (MANE Select); coding-DNA position 396, G replaced by A.
Protein change: p.Ser132=; no amino-acid change (serine 132 retained).
Molecular consequence: synonymous variant.
Genome position (GRCh38, 1-based): chr7:44,645,500, G>A. VCF-style: chr7-44645500-G-A. GRCh37 (hg19) VCF-style: chr7-44685099-G-A.
Other names: c.396G>A, p.Ser132= (NM_001003941.3, NM_001165036.2, NM_001363523.2); c.396G>A (NM_001363523.1).
Identifiers: ClinVar variation 559269 (VCV000559269.15), dbSNP rs41280648, ClinGen allele CA4243527.